The following is an entry in ClinVar:

NM_004656.4(BAP1):c.1942G>T (p.Ala648Ser)

Gene: BAP1 (BRCA1 associated deubiquitinase 1; minus strand). Cytogenetic location: 3p21.1.
Variant type: single nucleotide variant.
Coding change: c.1942G>T on transcript NM_004656.4 (MANE Select); coding-DNA position 1942, G replaced by T.
Protein change: p.Ala648Ser; replaces alanine 648 with serine.
Molecular consequence: missense variant.
Genome position (GRCh38, 1-based): chr3:52,402,820, C>A on the plus strand (G>T on the coding strand, the complement: BAP1 is on the minus strand). VCF-style: chr3-52402820-C-A. GRCh37 (hg19) VCF-style: chr3-52436836-C-A.
Other names: short protein forms A648S.
Identifiers: ClinVar variation 924137 (VCV000924137.6), dbSNP rs1705009460, ClinGen allele CA353096667.

ClinVar aggregate classification (germline): Uncertain significance. Review status: criteria provided, multiple submitters, no conflicts (2 of 4 stars). 2 submissions from 2 submitters: Uncertain significance (2). Last evaluated 2024-09-22.

Conditions:
BAP1-related tumor predisposition syndrome (TPDS1). Also called: Tumor susceptibility linked to germline BAP1 mutations; COMMON Syndrome; TUMOR PREDISPOSITION SYNDROME 1; BAP1 tumor predisposition syndrome. Identifiers: Orphanet 289539, MedGen C3280492, MONDO:0013692, OMIM 614327.
Hereditary cancer-predisposing syndrome. Also called: Neoplastic Syndromes, Hereditary; Tumor predisposition; Hereditary Cancer Syndrome; Hereditary neoplastic syndrome. Identifiers: Orphanet 140162, MedGen C0027672, MeSH D009386, MONDO:0015356.

Allele frequency attached by ClinVar (database versions not stated): gnomAD exomes below 0.00001.
gnomAD v4.1: 2 of 1,614,268 alleles (0.00012%); highest among the groups gnomAD compares: Non-Finnish European, 0.00017%; no homozygotes.

Submissions (2):

Labcorp Genetics (formerly Invitae), Labcorp
Classification: Uncertain significance for BAP1-related tumor predisposition syndrome. Last evaluated: 2024-09-22. Review status: criteria provided, single submitter. Criteria: Invitae Variant Classification Sherloc (09022015). Collection method: clinical testing. Allele origin: germline.
Comment: This sequence change replaces alanine, which is neutral and non-polar, with serine, which is neutral and polar, at codon 648 of the BAP1 protein (p.Ala648Ser). This variant is not present in population databases (gnomAD no frequency). This variant has not been reported in the literature in individuals affected with BAP1-related conditions. ClinVar contains an entry for this variant (Variation ID: 924137). Invitae Evidence Modeling of protein sequence and biophysical properties (such as structural, functional, and spatial information, amino acid conservation, physicochemical variation, residue mobility, and thermodynamic stability) indicates that this missense variant is not expected to disrupt BAP1 protein function with a negative predictive value of 80%. In summary, the available evidence is currently insufficient to determine the role of this variant in disease. Therefore, it has been classified as a Variant of Uncertain Significance.

Color Diagnostics, LLC DBA Color Health
Classification: Uncertain significance for Hereditary cancer-predisposing syndrome. Last evaluated: 2023-12-04. Review status: criteria provided, single submitter. Criteria: ACMG Guidelines, 2015. Collection method: clinical testing. Allele origin: germline.
Comment: This missense variant replaces alanine with serine at codon 648 of the BAP1 protein. Computational prediction suggests that this variant may not impact protein structure and function (internally defined REVEL score threshold <= 0.5, PMID: 27666373). To our knowledge, functional studies have not been reported for this variant. This variant has not been reported in individuals affected with BAP1-related disorders in the literature. This variant has not been identified in the general population by the Genome Aggregation Database (gnomAD). The available evidence is insufficient to determine the role of this variant in disease conclusively. Therefore, this variant is classified as a Variant of Uncertain Significance.